The following is an entry in ClinVar:

ClinVar aggregate classification (germline): Uncertain significance (1 of 4 stars; one submission).

Conditions:
Duchenne muscular dystrophy (DMD). Also called: MUSCULAR DYSTROPHY, PSEUDOHYPERTROPHIC PROGRESSIVE, DUCHENNE TYPE; Duchenne Muscular Dystrophy (DMD). Identifiers: Orphanet 98896, MedGen C0013264, MONDO:0010679, OMIM 310200.

Submission:

Labcorp Genetics (formerly Invitae), Labcorp
Classification: Uncertain significance for Duchenne muscular dystrophy. Last evaluated: 2025-10-20. Review status: criteria provided, single submitter. Criteria: Invitae Variant Classification Sherloc (09022015). Collection method: clinical testing. Allele origin: germline.
Comment: This sequence change replaces proline, which is neutral and non-polar, with threonine, which is neutral and polar, at codon 1729 of the DMD protein (p.Pro1729Thr). This variant is not present in population databases (gnomAD no frequency). This variant has not been reported in the literature in individuals affected with DMD-related conditions. Invitae Evidence Modeling of protein sequence and biophysical properties (such as structural, functional, and spatial information, amino acid conservation, physicochemical variation, residue mobility, and thermodynamic stability) indicates that this missense variant is not expected to disrupt DMD protein function with a negative predictive value of 95%. In summary, the available evidence is currently insufficient to determine the role of this variant in disease. Therefore, it has been classified as a Variant of Uncertain Significance.

NM_004006.3(DMD):c.5185C>A (p.Pro1729Thr)

Gene: DMD (dystrophin; minus strand). Cytogenetic location: Xp21.1.
Variant type: single nucleotide variant.
Coding change: c.5185C>A on transcript NM_004006.3 (MANE Select); coding-DNA position 5185, C replaced by A.
Protein change: p.Pro1729Thr; replaces proline 1729 with threonine.
Molecular consequence: missense variant.
Genome position (GRCh38, 1-based): chrX:32,362,928, G>T on the plus strand (C>A on the coding strand, the complement: DMD is on the minus strand). VCF-style: chrX-32362928-G-T. GRCh37 (hg19) VCF-style: chrX-32381045-G-T.
Other names: c.5161C>A, p.Pro1721Thr (NM_000109.4); c.5173C>A, p.Pro1725Thr (NM_004009.3); c.4816C>A, p.Pro1606Thr (NM_004010.3); c.1162C>A, p.Pro388Thr (NM_004011.4); c.1153C>A, p.Pro385Thr (NM_004012.4); short protein forms P385T, P388T, P1606T, P1721T, P1725T, P1729T.
Identifiers: ClinVar variation 4751448 (VCV004751448.1).